The following is an entry in ClinVar:

NM_001267550.2(TTN):c.31207+2T>C

Gene: TTN (titin; minus strand). Cytogenetic location: 2q31.2.
Variant type: single nucleotide variant.
Coding change: c.31207+2T>C on transcript NM_001267550.2 (MANE Select); the canonical splice donor site of the intron after coding-DNA position 31207, T replaced by C.
Molecular consequence: splice donor variant. On other transcripts: intron variant (3).
Genome position (GRCh38, 1-based): chr2:178,695,863, A>G on the plus strand (T>C on the coding strand, the complement: TTN is on the minus strand). VCF-style: chr2-178695863-A-G. GRCh37 (hg19) VCF-style: chr2-179560590-A-G.
Other names: c.13282+42219T>C (NM_003319.4); c.13858+42219T>C (NM_133437.4); c.13657+42219T>C (NM_133432.3); c.27475+2T>C (NM_133378.4); c.30256+2T>C (NM_001256850.1).
Identifiers: ClinVar variation 3758769 (VCV003758769.2).

ClinVar aggregate classification (germline): Likely pathogenic (1 of 4 stars; one submission).

Conditions:
Dilated cardiomyopathy 1G (CMD1G). Identifiers: Orphanet 154, MedGen C1858763, MONDO:0011400, OMIM 604145.
Autosomal recessive limb-girdle muscular dystrophy type 2J (LGMDR10). Also called: Limb-girdle muscular dystrophy, type 2J; MUSCULAR DYSTROPHY, LIMB-GIRDLE, AUTOSOMAL RECESSIVE 10. Identifiers: Orphanet 140922, MedGen C1837342, MONDO:0012127, OMIM 608807.

gnomAD v4.1: 24 of 1,443,434 alleles (0.0017%); highest among the groups gnomAD compares: Non-Finnish European, 0.0018%; no homozygotes.

Submission:

Labcorp Genetics (formerly Invitae), Labcorp
Classification: Likely pathogenic for Dilated cardiomyopathy 1G; Autosomal recessive limb-girdle muscular dystrophy type 2J. Last evaluated: 2025-09-10. Review status: criteria provided, single submitter. Criteria: Invitae Variant Classification Sherloc (09022015). Collection method: clinical testing. Allele origin: germline.
Comment: This sequence change affects a donor splice site in intron 114 of the TTN gene. It is expected to disrupt RNA splicing and likely results in a truncated or disrupted TTN protein. This variant is not present in population databases (gnomAD no frequency). This variant has not been reported in the literature in individuals affected with TTN-related conditions. ClinVar contains an entry for this variant (Variation ID: 3758769). Algorithms developed to predict the effect of sequence changes on RNA splicing suggest that this variant may disrupt the consensus splice site. This variant is located in the I band of TTN (PMID: 25589632). Truncating variants in this region have been reported in individuals affected with autosomal recessive centronuclear myopathy (PMID: 23975875, internal data). Truncating variants in this region have also been identified in individuals affected with autosomal dominant dilated cardiomyopathy and/or cardio-related conditions (PMID: 27869827, 32964742, internal data). In summary, the currently available evidence indicates that the variant is pathogenic, but additional data are needed to prove that conclusively. Therefore, this variant has been classified as Likely Pathogenic.

Literature cited by the submitters: PubMed 25589632; PubMed 23975875; PubMed 27869827; PubMed 32964742.